The following is an entry in ClinVar:

NM_032043.3(BRIP1):c.2961A>C (p.Arg987Ser)

Gene: BRIP1 (BRCA1 interacting DNA helicase 1; minus strand). Cytogenetic location: 17q23.2.
Variant type: single nucleotide variant.
Coding change: c.2961A>C on transcript NM_032043.3 (MANE Select); coding-DNA position 2961, A replaced by C.
Protein change: p.Arg987Ser; replaces arginine 987 with serine.
Molecular consequence: missense variant.
Genome position (GRCh38, 1-based): chr17:61,684,085, T>G on the plus strand (A>C on the coding strand, the complement: BRIP1 is on the minus strand). VCF-style: chr17-61684085-T-G. GRCh37 (hg19) VCF-style: chr17-59761446-T-G.
Other names: short protein forms R987S.
Identifiers: ClinVar variation 584964 (VCV000584964.15), dbSNP rs1567729555, ClinGen allele CA400480658.

ClinVar aggregate classification (germline): Uncertain significance. Review status: criteria provided, multiple submitters, no conflicts (2 of 4 stars). 3 submissions from 3 submitters: Uncertain significance (3). Last evaluated 2024-03-06.

Conditions:
Hereditary cancer-predisposing syndrome. Also called: Neoplastic Syndromes, Hereditary; Hereditary Cancer Syndrome; Tumor predisposition; Hereditary neoplastic syndrome. Identifiers: Orphanet 140162, MedGen C0027672, MeSH D009386, MONDO:0015356.
Familial cancer of breast. Also called: hereditary breast carcinoma; BREAST CANCER, FAMILIAL; Hereditary breast cancer. Identifiers: Orphanet 227535, MedGen C0346153, MONDO:0016419, OMIM 114480. Disease mechanism: loss of function.
Fanconi anemia complementation group J. Also called: BRIP1-Related Fanconi Anemia. Identifiers: Orphanet 84, MedGen C1836860, MONDO:0012187, OMIM 609054.

Submissions (3):

Color Diagnostics, LLC DBA Color Health
Classification: Uncertain significance for Hereditary cancer-predisposing syndrome. Last evaluated: 2024-03-06. Review status: criteria provided, single submitter. Criteria: ACMG Guidelines, 2015. Collection method: clinical testing. Allele origin: germline.
Comment: This missense variant replaces arginine with serine at codon 987 of the BRIP1 protein. Computational prediction suggests that this variant may not impact protein structure and function (internally defined REVEL score threshold <= 0.5, PMID: 27666373). To our knowledge, functional studies have not been reported for this variant. This variant has not been reported in individuals affected with hereditary cancer in the literature. This variant has not been identified in the general population by the Genome Aggregation Database (gnomAD). The available evidence is insufficient to determine the role of this variant in disease conclusively. Therefore, this variant is classified as a Variant of Uncertain Significance.

Labcorp Genetics (formerly Invitae), Labcorp
Classification: Uncertain significance for Familial cancer of breast; Fanconi anemia complementation group J. Last evaluated: 2021-06-23. Review status: criteria provided, single submitter. Criteria: Invitae Variant Classification Sherloc (09022015). Collection method: clinical testing. Allele origin: germline.
Comment: In summary, the available evidence is currently insufficient to determine the role of this variant in disease. Therefore, it has been classified as a Variant of Uncertain Significance. Algorithms developed to predict the effect of missense changes on protein structure and function (SIFT, PolyPhen-2, Align-GVGD) all suggest that this variant is likely to be tolerated, but these predictions have not been confirmed by published functional studies and their clinical significance is uncertain. This variant has not been reported in the literature in individuals with BRIP1-related conditions. ClinVar contains an entry for this variant (Variation ID: 584964). This variant is not present in population databases (ExAC no frequency). This sequence change replaces arginine with serine at codon 987 of the BRIP1 protein (p.Arg987Ser). The arginine residue is weakly conserved and there is a moderate physicochemical difference between arginine and serine.

Mendelics
Classification: Uncertain significance for Fanconi anemia, complementation group J. Last evaluated: 2018-07-02. Review status: criteria provided, single submitter. Criteria: Mendelics Assertion Criteria 2017. Collection method: clinical testing. Allele origin: unknown.